The following is an entry in ClinVar:

ClinVar aggregate classification (germline): Uncertain significance (1 of 4 stars; one submission).

Conditions:
Deficiency of 2-methylbutyryl-CoA dehydrogenase (ACADSB). Also called: 2-methylbutyryl-CoA dehydrogenase deficiency; SBCAD deficiency; 2-methylbutyric aciduria; Short branched-chain acyl-CoA dehydrogenase deficiency; 2-methylbutyrylglycinuria. Identifiers: Orphanet 79157, MedGen C1864912, MONDO:0012392, OMIM 610006, HP:0020147.

Allele frequency attached by ClinVar (database versions not stated): gnomAD 0.00001; ExAC 0.00003; TOPMed 0.00003; gnomAD exomes 0.00005.
gnomAD v4.1: 79 of 1,614,030 alleles (0.0049%); highest among the groups gnomAD compares: Non-Finnish European, 0.0063%; no homozygotes.

Submission:

Labcorp Genetics (formerly Invitae), Labcorp
Classification: Uncertain significance for Deficiency of 2-methylbutyryl-CoA dehydrogenase. Last evaluated: 2023-12-15. Review status: criteria provided, single submitter. Criteria: Invitae Variant Classification Sherloc (09022015). Collection method: clinical testing. Allele origin: germline.
Comment: This sequence change replaces alanine, which is neutral and non-polar, with threonine, which is neutral and polar, at codon 181 of the ACADSB protein (p.Ala181Thr). This variant is present in population databases (rs752287413, gnomAD 0.006%). This missense change has been observed in individual(s) with a positive newborn screening result for ACADSB-related disease (Invitae). Advanced modeling of protein sequence and biophysical properties (such as structural, functional, and spatial information, amino acid conservation, physicochemical variation, residue mobility, and thermodynamic stability) performed at Invitae indicates that this missense variant is not expected to disrupt ACADSB protein function with a negative predictive value of 80%. In summary, the available evidence is currently insufficient to determine the role of this variant in disease. Therefore, it has been classified as a Variant of Uncertain Significance.

NM_001609.4(ACADSB):c.541G>A (p.Ala181Thr)

Gene: ACADSB (acyl-CoA dehydrogenase short/branched chain; plus strand). Cytogenetic location: 10q26.13.
Variant type: single nucleotide variant.
Coding change: c.541G>A on transcript NM_001609.4 (MANE Select); coding-DNA position 541, G replaced by A.
Protein change: p.Ala181Thr; replaces alanine 181 with threonine.
Molecular consequence: missense variant.
Genome position (GRCh38, 1-based): chr10:123,041,239, G>A. VCF-style: chr10-123041239-G-A. GRCh37 (hg19) VCF-style: chr10-124800755-G-A.
Other names: c.235G>A, p.Ala79Thr (NM_001330174.3); short protein forms A79T, A181T.
Identifiers: ClinVar variation 2914434 (VCV002914434.3), dbSNP rs752287413, ClinGen allele CA5730740.